The following is an entry in ClinVar:

NM_153704.6(TMEM67):c.1674+125G>A

Gene: TMEM67 (transmembrane protein 67; plus strand). Cytogenetic location: 8q22.1.
Variant type: single nucleotide variant.
Coding change: c.1674+125G>A on transcript NM_153704.6 (MANE Select); 125 bases into the intron after coding-DNA position 1674, G replaced by A.
Molecular consequence: intron variant.
Genome position (GRCh38, 1-based): chr8:93,793,421, G>A. VCF-style: chr8-93793421-G-A. GRCh37 (hg19) VCF-style: chr8-94805649-G-A.
Other names: c.1431+125G>A (NM_001142301.1).
Identifiers: ClinVar variation 678961 (VCV000678961.2), dbSNP rs56199321, ClinGen allele CA181338968.

ClinVar aggregate classification (germline): Benign. Review status: criteria provided, multiple submitters, no conflicts (2 of 4 stars). 2 submissions from 2 submitters: Benign (2). Last evaluated 2018-06-16.

Allele frequency attached by ClinVar (database versions not stated): gnomAD exomes 0.00210; gnomAD 0.01843 and 0.01975; 1000 Genomes Project 30x 0.02092; 1000 Genomes Project 0.02097; TOPMed 0.02098.
gnomAD v4.1: 4,244 of 795,952 alleles (0.53%); highest among the groups gnomAD compares: African/African-American, 6.1%; 131 homozygotes.

Submissions (2):

GeneDx
Classification: Benign. Last evaluated: 2018-06-16. Review status: criteria provided, single submitter. Criteria: GeneDx Variant Classification (06012015). Collection method: clinical testing. Allele origin: germline. Affected: yes.
Comment: This variant is considered likely benign or benign based on one or more of the following criteria: it is a conservative change, it occurs at a poorly conserved position in the protein, it is predicted to be benign by multiple in silico algorithms, and/or has population frequency not consistent with disease.

Breakthrough Genomics
Classification: Benign. Review status: criteria provided, single submitter. Criteria: ACMG Guidelines, 2015. Collection method: not provided. Allele origin: germline. Inheritance: Autosomal recessive inheritance. Affected: yes.